The following is an entry in ClinVar:

NM_020638.3(FGF23):c.356C>T (p.Thr119Met)

Gene: FGF23 (fibroblast growth factor 23; minus strand). Cytogenetic location: 12p13.32.
Variant type: single nucleotide variant.
Coding change: c.356C>T on transcript NM_020638.3 (MANE Select); coding-DNA position 356, C replaced by T.
Protein change: p.Thr119Met; replaces threonine 119 with methionine.
Molecular consequence: missense variant.
Genome position (GRCh38, 1-based): chr12:4,370,743, G>A on the plus strand (C>T on the coding strand, the complement: FGF23 is on the minus strand). VCF-style: chr12-4370743-G-A. GRCh37 (hg19) VCF-style: chr12-4479909-G-A.
Other names: short protein forms T119M.
Identifiers: ClinVar variation 3675326 (VCV003675326.2).

ClinVar aggregate classification (germline): Uncertain significance (1 of 4 stars; one submission).

Submission:

Labcorp Genetics (formerly Invitae), Labcorp
Classification: Uncertain significance. Last evaluated: 2024-10-17. Review status: criteria provided, single submitter. Criteria: Invitae Variant Classification Sherloc (09022015). Collection method: clinical testing. Allele origin: germline.
Comment: This sequence change replaces threonine, which is neutral and polar, with methionine, which is neutral and non-polar, at codon 119 of the FGF23 protein (p.Thr119Met). This variant is not present in population databases (gnomAD no frequency). This variant has not been reported in the literature in individuals affected with FGF23-related conditions. Invitae Evidence Modeling of protein sequence and biophysical properties (such as structural, functional, and spatial information, amino acid conservation, physicochemical variation, residue mobility, and thermodynamic stability) has been performed for this missense variant. However, the output from this modeling did not meet the statistical confidence thresholds required to predict the impact of this variant on FGF23 protein function. In summary, the available evidence is currently insufficient to determine the role of this variant in disease. Therefore, it has been classified as a Variant of Uncertain Significance.